The following is an entry in ClinVar:

NM_001128178.3(NPHP1):c.959G>A (p.Arg320Lys)

Gene: NPHP1 (nephrocystin 1; minus strand). Cytogenetic location: 2q13.
Variant type: single nucleotide variant.
Coding change: c.959G>A on transcript NM_001128178.3 (MANE Select); coding-DNA position 959, G replaced by A.
Protein change: p.Arg320Lys; replaces arginine 320 with lysine.
Molecular consequence: missense variant.
Genome position (GRCh38, 1-based): chr2:110,160,251, C>T on the plus strand (G>A on the coding strand, the complement: NPHP1 is on the minus strand). VCF-style: chr2-110160251-C-T. GRCh37 (hg19) VCF-style: chr2-110917828-C-T.
Other names: c.1127G>A, p.Arg376Lys (NM_000272.5); c.770G>A, p.Arg257Lys (NM_001128179.3); c.956G>A, p.Arg319Lys (NM_001374256.1); c.959G>A, p.Arg320Lys (NM_001374257.1); c.1124G>A, p.Arg375Lys (NM_207181.4); c.1127G>A (NM_000272.3); short protein forms R319K, R320K, R376K, R257K, R375K.
Identifiers: ClinVar variation 2064334 (VCV002064334.2), dbSNP rs1682213152, ClinGen allele CA348089879.

ClinVar aggregate classification (germline): Uncertain significance. Review status: criteria provided, multiple submitters, no conflicts (2 of 4 stars). 2 submissions from 2 submitters: Uncertain significance (2). Last evaluated 2026-06-27.

Conditions:
NPHP1-related disorder. Also called: NPHP1-related condition; NPHP1-related disorders.
Nephronophthisis. Also called: Juvenile Nephronophthisis. Identifiers: Orphanet 655, MedGen C0687120, MONDO:0019005, HP:0000090.

Allele frequency attached by ClinVar (database versions not stated): gnomAD exomes below 0.00001.
gnomAD v4.1: 2 of 1,607,630 alleles (0.00012%); highest among the groups gnomAD compares: African/African-American, 0.0013%; no homozygotes.

Submissions (2):

PreventionGenetics, part of Exact Sciences
Classification: Uncertain significance for NPHP1-related condition. Last evaluated: 2026-06-27. Review status: criteria provided, single submitter. Criteria: ACMG Guidelines, 2015. Collection method: clinical testing. Allele origin: germline.
Comment: The NPHP1 c.1127G>A variant is predicted to result in the amino acid substitution p.Arg376Lys. To our knowledge, this variant has not been reported in the literature or in a large population database (gnomAD), indicating this variant is rare. At this time, the clinical significance of this variant is uncertain due to the absence of conclusive functional and genetic evidence.

Labcorp Genetics (formerly Invitae), Labcorp
Classification: Uncertain significance for Nephronophthisis. Last evaluated: 2022-08-17. Review status: criteria provided, single submitter. Criteria: Invitae Variant Classification Sherloc (09022015). Collection method: clinical testing. Allele origin: germline.
Comment: This sequence change replaces arginine, which is basic and polar, with lysine, which is basic and polar, at codon 376 of the NPHP1 protein (p.Arg376Lys). This variant is not present in population databases (gnomAD no frequency). This variant has not been reported in the literature in individuals affected with NPHP1-related conditions. Algorithms developed to predict the effect of missense changes on protein structure and function output the following: SIFT: "Tolerated"; PolyPhen-2: "Benign"; Align-GVGD: "Class C0". The lysine amino acid residue is found in multiple mammalian species, which suggests that this missense change does not adversely affect protein function. Algorithms developed to predict the effect of sequence changes on RNA splicing suggest that this variant may disrupt the consensus splice site. In summary, the available evidence is currently insufficient to determine the role of this variant in disease. Therefore, it has been classified as a Variant of Uncertain Significance.